The following is an entry in ClinVar:

ClinVar aggregate classification (germline): Benign. Review status: criteria provided, multiple submitters, no conflicts (2 of 4 stars). 3 submissions from 3 submitters: Benign (3). Last evaluated 2021-05-13.

Conditions:
Asphyxiating thoracic dystrophy 2 (SRTD2). Also called: SHORT-RIB THORACIC DYSPLASIA 2 WITH OR WITHOUT POLYDACTYLY; SHORT-RIB THORACIC DYSPLASIA 2 WITH POLYDACTYLY; SHORT-RIB THORACIC DYSPLASIA 2 WITHOUT POLYDACTYLY. Identifiers: Orphanet 474, MedGen C1970005, MONDO:0012644, OMIM 611263.

Allele frequency attached by ClinVar (database versions not stated): gnomAD exomes 0.05450 and 0.06788; ExAC 0.07501; gnomAD 0.15568 and 0.16470; 1000 Genomes Project 0.16993; ESP Exome Variant Server 0.17259; 1000 Genomes Project 30x 0.17473; TOPMed 0.17587.
gnomAD v4.1: 104,225 of 1,611,440 alleles (6.5%); highest among the groups gnomAD compares: African/African-American, 44%; 9,341 homozygotes.

Submissions (3):

GeneDx
Classification: Benign. Last evaluated: 2021-05-13. Review status: criteria provided, single submitter. Criteria: GeneDx Variant Classification Process June 2021. Collection method: clinical testing. Allele origin: germline. Affected: yes.

Illumina Laboratory Services, Illumina
Classification: Benign for Asphyxiating thoracic dystrophy 2. Last evaluated: 2018-01-12. Review status: criteria provided, single submitter. Criteria: ICSL Variant Classification Criteria 13 December 2019. Collection method: clinical testing. Allele origin: germline.
Comment: This variant was observed in the ICSL laboratory as part of a predisposition screen in an ostensibly healthy population. It had not been previously curated by ICSL or reported in the Human Gene Mutation Database (HGMD: prior to June 1st, 2018), and was therefore a candidate for classification through an automated scoring system. Utilizing variant allele frequency, disease prevalence and penetrance estimates, and inheritance mode, an automated score was calculated to assess if this variant is too frequent to cause the disease. Based on the score and internal cut-off values, a variant classified as benign is not then subjected to further curation. The score for this variant resulted in a classification of benign for this disease.

Breakthrough Genomics
Classification: Benign. Review status: criteria provided, single submitter. Criteria: ACMG Guidelines, 2015. Collection method: not provided. Allele origin: germline. Inheritance: Autosomal recessive inheritance. Affected: yes.

NM_020800.3(IFT80):c.*42G>A

Genes: IFT80 (intraflagellar transport 80; minus strand), TRIM59-IFT80 (TRIM59-IFT80 readthrough (NMD candidate); minus strand). Cytogenetic location: 3q25.33.
Variant type: single nucleotide variant.
Coding change: c.*42G>A on transcript NM_020800.3 (MANE Select); 42 bases downstream of the stop codon, G replaced by A.
Molecular consequence: 3 prime UTR variant. On other transcripts: non-coding transcript variant (3).
Genome position (GRCh38, 1-based): chr3:160,258,483, C>T on the plus strand (G>A on the coding strand, the complement: IFT80 is on the minus strand). VCF-style: chr3-160258483-C-T. GRCh37 (hg19) VCF-style: chr3-159976271-C-T.
Other names: c.*42G>A (NM_001190241.2, NM_001190242.2).
Identifiers: ClinVar variation 343960 (VCV000343960.7), dbSNP rs16831149, ClinGen allele CA2684900.